The following is an entry in ClinVar:

NM_005228.5(EGFR):c.2945A>T (p.Gln982Leu)

Gene: EGFR (epidermal growth factor receptor; plus strand). Cytogenetic location: 7p11.2.
Variant type: single nucleotide variant.
Coding change: c.2945A>T on transcript NM_005228.5 (MANE Select); coding-DNA position 2945, A replaced by T.
Protein change: p.Gln982Leu; replaces glutamine 982 with leucine.
Molecular consequence: missense variant.
Genome position (GRCh38, 1-based): chr7:55,200,412, A>T. VCF-style: chr7-55200412-A-T. GRCh37 (hg19) VCF-style: chr7-55268105-A-T.
Other names: c.2810A>T, p.Gln937Leu (NM_001346897.2, NM_001346899.2); c.2945A>T, p.Gln982Leu (NM_001346898.2); c.2786A>T, p.Gln929Leu (NM_001346900.2); c.2144A>T, p.Gln715Leu (NM_001346941.2); short protein forms Q715L, Q929L, Q937L, Q982L.
Identifiers: ClinVar variation 963531 (VCV000963531.9), dbSNP rs775131364, ClinGen allele CA4266210.
Genomic context (GRCh38, chr7:55,200,412, plus strand): 5'-GTGAGTTGATCATCGAATTCTCCAAAATGGCCCGAGACCCCCAGCGCTACCTTGTCATTC[A>T]GGTACAAATTGCAGTCTGTGCTTCCATTGGGAAGAGTCCCTCTAATGAGCATCTCATGTC-3'
Protein context (NP_005219.2, residues 972-992): ARDPQRYLVI[Gln982Leu]GDERMHLPSP

ClinVar aggregate classification (germline): Conflicting classifications of pathogenicity. Review status: criteria provided, conflicting classifications (1 of 4 stars). 3 submissions from 3 submitters: Likely pathogenic (1); Uncertain significance (2). Last evaluated 2025-08-09.

Conditions:
Hereditary cancer-predisposing syndrome. Also called: Tumor predisposition; Hereditary neoplastic syndrome; Hereditary Cancer Syndrome; Neoplastic Syndromes, Hereditary. Identifiers: Orphanet 140162, MedGen C0027672, MeSH D009386, MONDO:0015356.
EGFR-related lung cancer (EGFR). Identifiers: MedGen CN130014.

Allele frequency attached by ClinVar (database versions not stated): ExAC 0.00001; gnomAD exomes 0.00001 and 0.00002; TOPMed 0.00001.
gnomAD v4.1: 6 of 1,613,870 alleles (0.00037%); highest among the groups gnomAD compares: Admixed American, 0.01%; no homozygotes.

Submissions (3):

Labcorp Genetics (formerly Invitae), Labcorp
Classification: Uncertain significance for EGFR-related lung cancer. Last evaluated: 2025-08-09. Review status: criteria provided, single submitter. Criteria: Invitae Variant Classification Sherloc (09022015). Collection method: clinical testing. Allele origin: germline.
Comment: This sequence change replaces glutamine, which is neutral and polar, with leucine, which is neutral and non-polar, at codon 982 of the EGFR protein (p.Gln982Leu). This variant is present in population databases (rs775131364, gnomAD 0.01%). This variant has not been reported in the literature in individuals affected with EGFR-related conditions. ClinVar contains an entry for this variant (Variation ID: 963531). An algorithm developed to predict the effect of missense changes on protein structure and function (PolyPhen-2) suggests that this variant is likely to be disruptive. Algorithms developed to predict the effect of sequence changes on RNA splicing suggest that this variant may disrupt the consensus splice site. In summary, the available evidence is currently insufficient to determine the role of this variant in disease. Therefore, it has been classified as a Variant of Uncertain Significance.

Ambry Genetics
Classification: Uncertain significance for Hereditary cancer-predisposing syndrome. Last evaluated: 2025-07-29. Review status: criteria provided, single submitter. Criteria: Ambry Variant Classification Scheme 2023. Collection method: clinical testing. Allele origin: germline.
Comment: The p.Q982L variant (also known as c.2945A>T), located in coding exon 24 of the EGFR gene, results from an A to T substitution at nucleotide position 2945. The glutamine at codon 982 is replaced by leucine, an amino acid with dissimilar properties. This amino acid position is highly conserved in available vertebrate species. In addition, the in silico prediction for this alteration is inconclusive. Based on the available evidence, the clinical significance of this variant remains unclear.

Unidad de Genética Molecular HGU Elche, Hospital General Universitario de Elche
Classification: Likely pathogenic for Hereditary cancer-predisposing syndrome. Last evaluated: 2025-05-05. Review status: criteria provided, single submitter. Criteria: ACMG Guidelines, 2015. Collection method: clinical testing. Allele origin: germline. Affected: yes.
Comment: PP3 very strong; PM2 supporting; PP2 supporting